The following is an entry in ClinVar:

ClinVar aggregate classification (germline): Uncertain significance (1 of 4 stars; one submission).

Conditions:
Hypertrophic cardiomyopathy 11. Also called: ACTC1-Related Familial Hypertrophic Cardiomyopathy. Identifiers: MedGen C2677506, MONDO:0012799, OMIM 612098.

Submission:

MVZ Medizinische Genetik Mainz
Classification: Uncertain significance for Hypertrophic cardiomyopathy 11. Last evaluated: 2023-03-29. Review status: criteria provided, single submitter. Criteria: UK Practice Guidelines For Variant Classification V4 01 2020. Collection method: clinical testing. Allele origin: germline. Inheritance: Autosomal dominant inheritance. Affected: yes. Observed: 1 variant allele.
Comment: ACMG Criteria: PP3_MOD,PM2_SUP,PP2

NM_005159.5(ACTC1):c.686T>C (p.Met229Thr)

Genes: ACTC1 (actin alpha cardiac muscle 1; minus strand), GJD2-DT (GJD2 divergent transcript; plus strand). Cytogenetic location: 15q14.
Variant type: single nucleotide variant.
Coding change: c.686T>C on transcript NM_005159.5 (MANE Select); coding-DNA position 686, T replaced by C.
Protein change: p.Met229Thr; replaces methionine 229 with threonine.
Molecular consequence: missense variant.
Genome position (GRCh38, 1-based): chr15:34,792,212, A>G on the plus strand (T>C on the coding strand, the complement: ACTC1 is on the minus strand). VCF-style: chr15-34792212-A-G. GRCh37 (hg19) VCF-style: chr15-35084413-A-G.
Other names: c.686T>C, p.Met229Thr (NM_001406482.1, NM_001406483.1); c.551T>C, p.Met184Thr (NM_001406484.1); c.245T>C, p.Met82Thr (NM_001406485.1); short protein forms M184T, M229T, M82T.
Identifiers: ClinVar variation 3068407 (VCV003068407.1), dbSNP rs2504180209, ClinGen allele CA391630554.